The following is an entry in ClinVar:

ClinVar aggregate classification (germline): Uncertain significance (1 of 4 stars; one submission).

Submission:

GeneDx
Classification: Uncertain significance. Last evaluated: 2023-11-13. Review status: criteria provided, single submitter. Criteria: GeneDx Variant Classification Process June 2021. Collection method: clinical testing. Allele origin: germline. Affected: yes.
Comment: Not observed at significant frequency in large population cohorts (gnomAD); In silico analysis supports that this missense variant has a deleterious effect on protein structure/function; Has not been previously published as pathogenic or benign to our knowledge

NM_020937.4(FANCM):c.1463G>C (p.Ser488Thr)

Gene: FANCM (FA complementation group M; plus strand). Cytogenetic location: 14q21.2.
Variant type: single nucleotide variant.
Coding change: c.1463G>C on transcript NM_020937.4 (MANE Select); coding-DNA position 1463, G replaced by C.
Protein change: p.Ser488Thr; replaces serine 488 with threonine.
Molecular consequence: missense variant.
Genome position (GRCh38, 1-based): chr14:45,159,162, G>C. VCF-style: chr14-45159162-G-C. GRCh37 (hg19) VCF-style: chr14-45628365-G-C.
Other names: c.1385G>C, p.Ser462Thr (NM_001308133.2); c.1463G>C, p.Ser488Thr (NM_001308134.2); short protein forms S462T, S488T.
Identifiers: ClinVar variation 3364306 (VCV003364306.1).
Genomic context (GRCh38, chr14:45,159,162, plus strand): 5'-ACACTACTGAAAAGAAACGTGATGAGACCCGAGTTATGATCTTCTCTTCATTTCGAGATA[G>C]TGTTCAAGAAATTGCAGAAATGCTTTCACAGCATCAGCCAATTATTAGAGTAATGACTTT-3'
Protein context (NP_065988.1, residues 478-498): RVMIFSSFRD[Ser488Thr]VQEIAEMLSQ